The following is an entry in ClinVar:

NM_014191.4(SCN8A):c.697G>T (p.Val233Leu)

Gene: SCN8A (sodium voltage-gated channel alpha subunit 8; plus strand). Cytogenetic location: 12q13.13.
Variant type: single nucleotide variant.
Coding change: c.697G>T on transcript NM_014191.4 (MANE Plus Clinical); coding-DNA position 697, G replaced by T.
Protein change: p.Val233Leu; replaces valine 233 with leucine.
Molecular consequence: missense variant. On other transcripts: intron variant (2).
Genome position (GRCh38, 1-based): chr12:51,688,840, G>T. VCF-style: chr12-51688840-G-T. GRCh37 (hg19) VCF-style: chr12-52082624-G-T.
Other names: c.697G>T, p.Val233Leu (NM_001177984.3); c.615-165G>T (NM_001330260.2, NM_001369788.1); short protein forms V233L.
Identifiers: ClinVar variation 870607 (VCV000870607.6), dbSNP rs1592380699, ClinGen allele CA385224134.

ClinVar aggregate classification (germline): Conflicting classifications of pathogenicity. Review status: criteria provided, conflicting classifications (1 of 4 stars). 2 submissions from 2 submitters: Pathogenic (1); Uncertain significance (1). Last evaluated 2023-03-06.

Conditions:
Developmental and epileptic encephalopathy, 13 (DEE13). Also called: Developmental and Epileptic Encephalopathy (SCN8A-DEE); SCN8A-Related Epilepsy; Early infantile epileptic encephalopathy 13. Identifiers: Orphanet 442835, MedGen C3281191, MONDO:0013801, OMIM 614558.
Focal clonic seizure. Identifiers: MedGen C0752323, HP:0002266.

Submissions (2):

Department of Paediatric Medicine, Post Graduation Institute of Medical Education and Research
Classification: Pathogenic for Developmental and epileptic encephalopathy, 13. Last evaluated: 2023-03-06. Review status: criteria provided, single submitter. Criteria: ACMG Guidelines, 2015. Collection method: clinical testing. Allele origin: de novo. Inheritance: Autosomal dominant inheritance. Affected: yes. Observed: 1 variant allele, 1 heterozygote.
Comment: PS2, PM1, PM2, PM5, PP3

Diagnostics Services (NGS), CSIR - Centre For Cellular And Molecular Biology
Classification: Uncertain significance for Focal clonic seizure. Last evaluated: 2020-04-12. Review status: criteria provided, single submitter. Criteria: ACMG Guidelines, 2015. Collection method: clinical testing. Allele origin: unknown. Affected: yes. Observed: 1 heterozygote.
Comment: The c.697G>T variant is not present in publicly available databases like 1000 Genomes, Exome Variant Server (EVS), Exome Aggregation Consortium (ExAC), Genome Aggregation Database (gnomAD) and dbSNP. The variants are not present in our in-house exome database. The variants were not reported to OMIM, Human Genome Mutation Database (HGMD) or ClinVar databases in any affected individuals. This variant is present in a highly conserved region and in-silico pathogenicity prediction programs like SIFT, PolyPhen-3, MutationTaster2, CADD etc. predicted this variant to be likely deleterious. However there are no documented functional studies to prove this. Due to lack of enough evidence the variant has been classified as uncertain significance.